The following is an entry in ClinVar:

NM_004998.4(MYO1E):c.2492A>C (p.Asp831Ala)

Gene: MYO1E (myosin IE; minus strand). Cytogenetic location: 15q22.2.
Variant type: single nucleotide variant.
Coding change: c.2492A>C on transcript NM_004998.4 (MANE Select); coding-DNA position 2492, A replaced by C.
Protein change: p.Asp831Ala; replaces aspartic acid 831 with alanine.
Molecular consequence: missense variant.
Genome position (GRCh38, 1-based): chr15:59,163,292, T>G on the plus strand (A>C on the coding strand, the complement: MYO1E is on the minus strand). VCF-style: chr15-59163292-T-G. GRCh37 (hg19) VCF-style: chr15-59455491-T-G.
Other names: short protein forms D831A.
Identifiers: ClinVar variation 1698693 (VCV001698693.2), dbSNP rs2140311711, ClinGen allele CA392636720.
Genomic context (GRCh38, chr15:59,163,292, plus strand): 5'-GTTTTGAAGACAGATTCAAGCAAACTGTCATACTCTTGCTCATGGAGAATAAAAATGTCA[T>G]CCTGCATAGTACTGTAAAGAGATTGGACAAACACACTTGGTGAAAGCTGTGCTTCTGTTT-3'
Protein context (NP_004989.2, residues 821-841): ILSVSLSTMQ[Asp831Ala]DIFILHEQEY

ClinVar aggregate classification (germline): drug response (0 of 4 stars; one submission).

Conditions:
Corticosteroids response. Also called: Corticosteroid response.

Submission:

Genetic Testing Lab, Ashok and Rita Patel Institute of Integrated Study and Research in Biotechnology and Allied Sciences
Classification: drug response for Corticosteroid response. Last evaluated: 2022-05-20. Review status: no assertion criteria provided. Collection method: research. Allele origin: somatic. Affected: yes. Observed: 27 variant alleles.
Comment: Depending upon patients response to standard corticosteroids therapy, they were classified to be either Steroid resistance(SRNS)(poor metabolizer) or steroid sensitive(SSNS)(likley responsive)